The following is an entry in ClinVar:

ClinVar aggregate classification (germline): Uncertain significance. Review status: criteria provided, multiple submitters, no conflicts (2 of 4 stars). 3 submissions from 2 submitters: Uncertain significance (3). Last evaluated 2023-04-27.

Conditions:
Multiple epiphyseal dysplasia type 1. Also called: COMP-Related Multiple Epiphyseal Dysplasia. Identifiers: Orphanet 93308, MedGen C1838280, MONDO:0007561, OMIM 132400.
Pseudoachondroplastic spondyloepiphyseal dysplasia syndrome (PSACH). Also called: PSEUDOACHONDROPLASTIC DYSPLASIA; Pseudoachondroplasia; COMP-Related Pseudoachondroplasia. Identifiers: Orphanet 750, MedGen C0410538, MONDO:0008322, OMIM 177170.

Submissions (3):

Labcorp Genetics (formerly Invitae), Labcorp
Classification: Uncertain significance. Last evaluated: 2023-04-27. Review status: criteria provided, single submitter. Criteria: Invitae Variant Classification Sherloc (09022015). Collection method: clinical testing. Allele origin: germline.
Comment: In summary, the available evidence is currently insufficient to determine the role of this variant in disease. Therefore, it has been classified as a Variant of Uncertain Significance. Algorithms developed to predict the effect of sequence changes on RNA splicing suggest that this variant may create or strengthen a splice site. Advanced modeling of protein sequence and biophysical properties (such as structural, functional, and spatial information, amino acid conservation, physicochemical variation, residue mobility, and thermodynamic stability) performed at Invitae indicates that this missense variant is not expected to disrupt COMP protein function. ClinVar contains an entry for this variant (Variation ID: 889555). This variant has not been reported in the literature in individuals affected with COMP-related conditions. This variant is not present in population databases (gnomAD no frequency). This sequence change replaces arginine, which is basic and polar, with serine, which is neutral and polar, at codon 288 of the COMP protein (p.Arg288Ser).

Illumina Laboratory Services, Illumina
Classification: Uncertain significance for Pseudoachondroplastic spondyloepiphyseal dysplasia syndrome. Last evaluated: 2018-01-13. Review status: criteria provided, single submitter. Criteria: ICSL Variant Classification Criteria 13 December 2019. Collection method: clinical testing. Allele origin: germline.

Illumina Laboratory Services, Illumina
Classification: Uncertain significance for Multiple epiphyseal dysplasia type 1. Last evaluated: 2018-01-13. Review status: criteria provided, single submitter. Criteria: ICSL Variant Classification Criteria 13 December 2019. Collection method: clinical testing. Allele origin: germline.

NM_000095.3(COMP):c.862C>A (p.Arg288Ser)

Gene: COMP (cartilage oligomeric matrix protein; minus strand). Cytogenetic location: 19p13.11.
Variant type: single nucleotide variant.
Coding change: c.862C>A on transcript NM_000095.3 (MANE Select); coding-DNA position 862, C replaced by A.
Protein change: p.Arg288Ser; replaces arginine 288 with serine.
Molecular consequence: missense variant.
Genome position (GRCh38, 1-based): chr19:18,788,415, G>T on the plus strand (C>A on the coding strand, the complement: COMP is on the minus strand). VCF-style: chr19-18788415-G-T. GRCh37 (hg19) VCF-style: chr19-18899224-G-T.
Other names: short protein forms R288S.
Identifiers: ClinVar variation 889555 (VCV000889555.7), dbSNP rs762455276, ClinGen allele CA404892201.